The following is an entry in ClinVar:

NM_001009999.3(KDM1A):c.1541T>C (p.Leu514Pro)

Gene: KDM1A (lysine demethylase 1A; plus strand). Cytogenetic location: 1p36.12.
Variant type: single nucleotide variant.
Coding change: c.1541T>C on transcript NM_001009999.3 (MANE Select); coding-DNA position 1541, T replaced by C.
Protein change: p.Leu514Pro; replaces leucine 514 with proline.
Molecular consequence: missense variant.
Genome position (GRCh38, 1-based): chr1:23,071,352, T>C. VCF-style: chr1-23071352-T-C. GRCh37 (hg19) VCF-style: chr1-23397845-T-C.
Other names: c.1469T>C, p.Leu490Pro (NM_001363654.2, NM_001410763.1, NM_015013.4); c.1529T>C, p.Leu510Pro (NM_001410762.1); short protein forms L490P, L510P, L514P.
Identifiers: ClinVar variation 3863232 (VCV003863232.1).

ClinVar aggregate classification (germline): Uncertain significance (1 of 4 stars; one submission).

Conditions:
Inborn genetic diseases. Identifiers: MedGen C0950123, MeSH D030342.

Submission:

Ambry Genetics
Classification: Uncertain significance for Inborn genetic diseases. Last evaluated: 2024-12-25. Review status: criteria provided, single submitter. Criteria: Ambry Variant Classification Scheme 2023. Collection method: clinical testing. Allele origin: germline.
Comment: The p.L514P variant (also known as c.1541T>C), located in coding exon 13 of the KDM1A gene, results from a T to C substitution at nucleotide position 1541. The leucine at codon 514 is replaced by proline, an amino acid with similar properties. This amino acid position is conserved. In addition, the in silico prediction for this alteration is inconclusive. Based on the available evidence, the clinical significance of this variant remains unclear.